The following is an entry in ClinVar:

ClinVar aggregate classification (germline): Likely pathogenic (1 of 4 stars; one submission).

Submission:

GeneDx
Classification: Likely pathogenic. Last evaluated: 2016-03-30. Review status: criteria provided, single submitter. Criteria: GeneDx Variant Classification (06012015). Collection method: clinical testing. Allele origin: germline. Affected: yes.
Comment: This variant is denoted POLE c.1089C>G at the cDNA level, p.Asn363Lys (N363K) at the protein level, and results in the change of an Asparagine to a Lysine (AAC>AAG). While this exact variant has not been published in the literature, another missense change impacting the same nucleotide has been published and results in the same amino acid change (POLE c.1089C>A, p.Asn363Lys). POLE Asn363Lys has been reported to segregate with disease in a large family presenting with predominantly colon cancer; other cancers also observed include ovarian, endometrial, pancreatic and gastric (Rohlin 2014). POLE Asn363Lys was not observed in approximately 6,500 individuals of European and African American ancestry in the NHLBI Exome Sequencing Project, suggesting it is not a common benign variant in these populations. Since Asparagine and Lysine differ in some properties, this is considered a semi-conservative amino acid substitution. POLE Asn363Lys occurs at a position that is conserved across species and is located in the exonuclease domain and Exo II and Pol IV motifs (Preston 2010). In silico analyses predict that this variant is probably damaging to protein structure and function. Based on the currently available evidence, we consider POLE Asn363Lys to be a likely pathogenic variant.

NM_006231.4(POLE):c.1089C>G (p.Asn363Lys)

Gene: POLE (DNA polymerase epsilon, catalytic subunit; minus strand). Cytogenetic location: 12q24.33.
Variant type: single nucleotide variant.
Coding change: c.1089C>G on transcript NM_006231.4 (MANE Select); coding-DNA position 1089, C replaced by G.
Protein change: p.Asn363Lys; replaces asparagine 363 with lysine.
Molecular consequence: missense variant.
Genome position (GRCh38, 1-based): chr12:132,675,752, G>C on the plus strand (C>G on the coding strand, the complement: POLE is on the minus strand). VCF-style: chr12-132675752-G-C. GRCh37 (hg19) VCF-style: chr12-133252338-G-C.
Other names: short protein forms N363K.
Identifiers: ClinVar variation 420748 (VCV000420748.2), dbSNP rs146639652, ClinGen allele CA16619477.